The following is an entry in ClinVar:

ClinVar aggregate classification (germline): Uncertain significance (1 of 4 stars; one submission).

gnomAD v4.1: 1 of 1,613,972 alleles (0.000062%); highest among the groups gnomAD compares: African/African-American, 0.0013%; no homozygotes.

Submission:

GeneDx
Classification: Uncertain significance. Last evaluated: 2025-06-01. Review status: criteria provided, single submitter. Criteria: GeneDx Variant Classification Process June 2021. Collection method: clinical testing. Allele origin: germline. Affected: yes.
Comment: Not observed at significant frequency in large population cohorts (gnomAD); In silico analysis supports that this missense variant has a deleterious effect on protein structure/function; Has not been previously published as pathogenic or benign to our knowledge

NM_004766.3(COPB2):c.2235A>C (p.Leu745Phe)

Gene: COPB2 (coat protein complex I subunit beta 2; minus strand). Cytogenetic location: 3q23.
Variant type: single nucleotide variant.
Coding change: c.2235A>C on transcript NM_004766.3 (MANE Select); coding-DNA position 2235, A replaced by C.
Protein change: p.Leu745Phe; replaces leucine 745 with phenylalanine.
Molecular consequence: missense variant. On other transcripts: non-coding transcript variant (1).
Genome position (GRCh38, 1-based): chr3:139,359,338, T>G on the plus strand (A>C on the coding strand, the complement: COPB2 is on the minus strand). VCF-style: chr3-139359338-T-G. GRCh37 (hg19) VCF-style: chr3-139078180-T-G.
Other names: c.2148A>C, p.Leu716Phe (NM_001410834.1); short protein forms L716F, L745F.
Identifiers: ClinVar variation 4532315 (VCV004532315.1).